The following is an entry in ClinVar:

ClinVar aggregate classification (germline): Uncertain significance (1 of 4 stars; one submission).

Conditions:
Hereditary spastic paraplegia. Also called: Familial spastic paraparesis. Identifiers: Orphanet 685, MedGen C0037773, MONDO:0019064. Disease mechanism: loss of function.

Allele frequency attached by ClinVar (database versions not stated): ESP Exome Variant Server 0.00008; gnomAD 0.00008 and 0.00009; TOPMed 0.00009; gnomAD exomes 0.00025; ExAC 0.00040.
gnomAD v4.1: 234 of 1,573,220 alleles (0.015%); highest among the groups gnomAD compares: Non-Finnish European, 0.017%; no homozygotes.

Submission:

Labcorp Genetics (formerly Invitae), Labcorp
Classification: Uncertain significance for Hereditary spastic paraplegia. Last evaluated: 2025-03-17. Review status: criteria provided, single submitter. Criteria: Invitae Variant Classification Sherloc (09022015). Collection method: clinical testing. Allele origin: germline.
Comment: This sequence change replaces serine, which is neutral and polar, with asparagine, which is neutral and polar, at codon 641 of the USP8 protein (p.Ser641Asn). This variant is present in population databases (rs372108112, gnomAD 0.04%). This variant has not been reported in the literature in individuals affected with USP8-related conditions. ClinVar contains an entry for this variant (Variation ID: 953796). An algorithm developed to predict the effect of missense changes on protein structure and function (PolyPhen-2) suggests that this variant is likely to be disruptive. In summary, the available evidence is currently insufficient to determine the role of this variant in disease. Therefore, it has been classified as a Variant of Uncertain Significance.

NM_005154.5(USP8):c.1922G>A (p.Ser641Asn)

Gene: USP8 (ubiquitin specific peptidase 8; plus strand). Cytogenetic location: 15q21.2.
Variant type: single nucleotide variant.
Coding change: c.1922G>A on transcript NM_005154.5 (MANE Select); coding-DNA position 1922, G replaced by A.
Protein change: p.Ser641Asn; replaces serine 641 with asparagine.
Molecular consequence: missense variant.
Genome position (GRCh38, 1-based): chr15:50,489,832, G>A. VCF-style: chr15-50489832-G-A. GRCh37 (hg19) VCF-style: chr15-50782029-G-A.
Other names: c.1922G>A, p.Ser641Asn (NM_001128610.3); c.1604G>A, p.Ser535Asn (NM_001283049.2); short protein forms S535N, S641N.
Identifiers: ClinVar variation 953796 (VCV000953796.9), dbSNP rs372108112, ClinGen allele CA7555851.